The following is an entry in ClinVar:

NM_001184.4(ATR):c.4375A>C (p.Asn1459His)

Gene: ATR (ATR serine/threonine kinase; minus strand). Cytogenetic location: 3q23.
Variant type: single nucleotide variant.
Coding change: c.4375A>C on transcript NM_001184.4 (MANE Select); coding-DNA position 4375, A replaced by C.
Protein change: p.Asn1459His; replaces asparagine 1459 with histidine.
Molecular consequence: missense variant.
Genome position (GRCh38, 1-based): chr3:142,519,676, T>G on the plus strand (A>C on the coding strand, the complement: ATR is on the minus strand). VCF-style: chr3-142519676-T-G. GRCh37 (hg19) VCF-style: chr3-142238518-T-G.
Other names: c.4183A>C, p.Asn1395His (NM_001354579.2); short protein forms N1459H, N1395H.
Identifiers: ClinVar variation 3331736 (VCV003331736.1).
Genomic context (GRCh38, chr3:142,519,676, plus strand): 5'-TTTTATATAATTAAAAACAATTTTATGAAAATACATTAAATAAGCCTACATACCTGGTAT[T>G]TAGATGAGGTTCTAGTATTTCCCGAACATGCTCAGGAAATCTCCTCCACAATTGGTGACC-3'
Protein context (NP_001175.2, residues 1449-1469): HVREILEPHL[Asn1459His]TRYKSSQKST

ClinVar aggregate classification (germline): Uncertain significance (1 of 4 stars; one submission).

Conditions:
Inborn genetic diseases. Identifiers: MedGen C0950123, MeSH D030342.

Submission:

Ambry Genetics
Classification: Uncertain significance for Inborn genetic diseases. Last evaluated: 2024-04-25. Review status: criteria provided, single submitter. Criteria: Ambry Variant Classification Scheme 2023. Collection method: clinical testing. Allele origin: germline.
Comment: The p.N1459H variant (also known as c.4375A>C), located in coding exon 24 of the ATR gene, results from an A to C substitution at nucleotide position 4375. The asparagine at codon 1459 is replaced by histidine, an amino acid with similar properties. This amino acid position is conserved. In addition, this alteration is predicted to be tolerated by in silico analysis. Based on the available evidence, the clinical significance of this variant remains unclear.